The following is an entry in ClinVar:

NM_001394062.1(MACF1):c.21520_21521delinsAA (p.Ser7174Asn)

Gene: MACF1 (microtubule actin crosslinking factor 1; plus strand). Cytogenetic location: 1p34.3.
Variant type: Indel.
Coding change: c.21520_21521delinsAA on transcript NM_001394062.1 (MANE Select); coding-DNA positions 21520 to 21521, TC replaced by AA.
Protein change: p.Ser7174Asn; replaces serine 7174 with asparagine.
Molecular consequence: missense variant.
Genome position (GRCh38, 1-based): chr1:39,460,791-39,460,792, TC replaced by AA. VCF-style: chr1-39460791-TC-AA. GRCh37 (hg19) VCF-style: chr1-39926463-TC-AA.
Other names: c.9598_9599delinsAA, p.Ser3200Asn (NM_001397473.1); c.15343_15344delinsAA, p.Ser5115Asn (NM_012090.5); short protein forms S3200N, S5115N, S7174N.
Identifiers: ClinVar variation 3630034 (VCV003630034.1).

ClinVar aggregate classification (germline): Uncertain significance (1 of 4 stars; one submission).

Submission:

Women's Health and Genetics/Laboratory Corporation of America, LabCorp
Classification: Uncertain significance. Last evaluated: 2024-11-18. Review status: criteria provided, single submitter. Criteria: LabCorp Variant Classification Summary - May 2015. Collection method: clinical testing. Allele origin: germline.
Comment: Variant summary: MACF1 c.15343_15344delinsAA (p.Ser5115Asn) results in a conservative amino acid change in the encoded protein sequence. Two of two in-silico tools predict a benign effect of the variant on protein function. Consensus agreement among computation tools predict no significant impact on normal splicing. However, these predictions have yet to be confirmed by functional studies. The variant was absent in 251312 control chromosomes. The available data on variant occurrences in the general population are insufficient to allow any conclusion about variant significance. To our knowledge, no occurrence of c.15343_15344delinsAA in individuals affected with Lissencephaly 9 With Complex Brainstem Malformation and no experimental evidence demonstrating its impact on protein function have been reported. No submitters have cited clinical-significance assessments for this variant to ClinVar. Based on the evidence outlined above, the variant was classified as uncertain significance.